The following is an entry in ClinVar:

ClinVar aggregate classification (germline): Likely benign. Review status: criteria provided, multiple submitters, no conflicts (2 of 4 stars). 4 submissions from 4 submitters: Likely benign (4). Last evaluated 2026-01-07.

Conditions:
Cardiovascular phenotype. Identifiers: MedGen CN230736.
Catecholaminergic polymorphic ventricular tachycardia (CVPT). Also called: Catecholamine-induced polymorphic ventricular tachycardia. Identifiers: Orphanet 3286, MedGen C5574922, MONDO:0017990.
Cardiomyopathy (CMYO). Also called: Cardiomyopathies. Identifiers: Orphanet 167848, MedGen C0878544, MONDO:0004994, HP:0001638. Inheritance: Various modes of inheritance.
Catecholaminergic polymorphic ventricular tachycardia 1. Also called: RYR2-Related Catecholaminergic Polymorphic Ventricular Tachycardia; VENTRICULAR TACHYCARDIA, CATECHOLAMINERGIC POLYMORPHIC, 1, WITH OR WITHOUT ATRIAL DYSFUNCTION AND/OR DILATED CARDIOMYOPATHY; VENTRICULAR TACHYCARDIA, STRESS-INDUCED POLYMORPHIC 1. Identifiers: Orphanet 3286, MedGen C1631597, MONDO:0011484, OMIM 604772.

Allele frequency attached by ClinVar (database versions not stated): ExAC 0.00001; ESP Exome Variant Server 0.00008.
gnomAD v4.1: 8 of 1,612,656 alleles (0.0005%); highest among the groups gnomAD compares: Non-Finnish European, 0.00068%; no homozygotes.

Submissions (4):

Labcorp Genetics (formerly Invitae), Labcorp
Classification: Likely benign for Catecholaminergic polymorphic ventricular tachycardia 1. Last evaluated: 2026-01-07. Review status: criteria provided, single submitter. Criteria: Invitae Variant Classification Sherloc (09022015). Collection method: clinical testing. Allele origin: germline.

Ambry Genetics
Classification: Likely benign for Cardiovascular phenotype. Last evaluated: 2025-01-19. Review status: criteria provided, single submitter. Criteria: Ambry Variant Classification Scheme 2023. Collection method: clinical testing. Allele origin: germline.

All of Us Research Program, National Institutes of Health
Classification: Likely benign for Catecholaminergic polymorphic ventricular tachycardia. Last evaluated: 2023-08-15. Review status: criteria provided, single submitter. Criteria: ACMG Guidelines, 2015. Collection method: clinical testing. Allele origin: germline. Inheritance: Autosomal dominant inheritance. Observed: 2 variant alleles, 2 heterozygotes.
Comment: This study involves interpretation of variants in research participants for the purpose of population health screening. Participant phenotype was not available at the time of variant classification. Additional details can be found in publication PMID: 35346344, PMCID: PMC8962531

Color Diagnostics, LLC DBA Color Health
Classification: Likely benign for Cardiomyopathy. Last evaluated: 2018-06-11. Review status: criteria provided, single submitter. Criteria: ACMG Guidelines, 2015. Collection method: clinical testing. Allele origin: germline.

NM_001035.3(RYR2):c.4171A>C (p.Arg1391=)

Gene: RYR2 (ryanodine receptor 2; plus strand). Cytogenetic location: 1q43.
Variant type: single nucleotide variant.
Coding change: c.4171A>C on transcript NM_001035.3 (MANE Select); coding-DNA position 4171, A replaced by C.
Protein change: p.Arg1391=; no amino-acid change (arginine 1391 retained).
Molecular consequence: synonymous variant.
Genome position (GRCh38, 1-based): chr1:237,591,749, A>C. VCF-style: chr1-237591749-A-C. GRCh37 (hg19) VCF-style: chr1-237755049-A-C.
Other names: c.4171A>C, p.Arg1391= (LRG_402t1).
Identifiers: ClinVar variation 628685 (VCV000628685.14), dbSNP rs371561223, ClinGen allele CA086554.